The following is an entry in ClinVar:

NM_002890.3(RASA1):c.340A>G (p.Met114Val)

Gene: RASA1 (RAS p21 protein activator 1; plus strand). Cytogenetic location: 5q14.3.
Variant type: single nucleotide variant.
Coding change: c.340A>G on transcript NM_002890.3 (MANE Select); coding-DNA position 340, A replaced by G.
Protein change: p.Met114Val; replaces methionine 114 with valine.
Molecular consequence: missense variant.
Genome position (GRCh38, 1-based): chr5:87,268,791, A>G. VCF-style: chr5-87268791-A-G. GRCh37 (hg19) VCF-style: chr5-86564608-A-G.
Other names: short protein forms M114V.
Identifiers: ClinVar variation 1731153 (VCV001731153.2), dbSNP rs772501076, ClinGen allele CA360417205.

ClinVar aggregate classification (germline): Uncertain significance (1 of 4 stars; one submission).

Conditions:
Cardiovascular phenotype. Identifiers: MedGen CN230736.

Allele frequency attached by ClinVar (database versions not stated): gnomAD exomes below 0.00001.

Submission:

Ambry Genetics
Classification: Uncertain significance for Cardiovascular phenotype. Last evaluated: 2022-04-25. Review status: criteria provided, single submitter. Criteria: Ambry Variant Classification Scheme 2023. Collection method: clinical testing. Allele origin: germline.
Comment: The p.M114V variant (also known as c.340A>G), located in coding exon 1 of the RASA1 gene, results from an A to G substitution at nucleotide position 340. The methionine at codon 114 is replaced by valine, an amino acid with highly similar properties. This amino acid position is conserved. In addition, this alteration is predicted to be tolerated by in silico analysis. Since supporting evidence is limited at this time, the clinical significance of this alteration remains unclear.